The following is an entry in ClinVar:

ClinVar aggregate classification (germline): Uncertain significance (1 of 4 stars; one submission).

Conditions:
Inborn genetic diseases. Identifiers: MedGen C0950123, MeSH D030342.

Submission:

Ambry Genetics
Classification: Uncertain significance for Inborn genetic diseases. Last evaluated: 2025-11-11. Review status: criteria provided, single submitter. Criteria: Ambry Variant Classification Scheme 2023. Collection method: clinical testing. Allele origin: germline.
Comment: The p.H1005R variant (also known as c.3014A>G), located in coding exon 1 of the SAMD9L gene, results from an A to G substitution at nucleotide position 3014. The histidine at codon 1005 is replaced by arginine, an amino acid with highly similar properties. This amino acid position is conserved. In addition, this alteration is predicted to be tolerated by in silico analysis. Based on the available evidence, the clinical significance of this variant remains unclear.

NM_152703.5(SAMD9L):c.3014A>G (p.His1005Arg)

Gene: SAMD9L (sterile alpha motif domain containing 9 like; minus strand). Cytogenetic location: 7q21.2.
Variant type: single nucleotide variant.
Coding change: c.3014A>G on transcript NM_152703.5 (MANE Select); coding-DNA position 3014, A replaced by G.
Protein change: p.His1005Arg; replaces histidine 1005 with arginine.
Molecular consequence: missense variant.
Genome position (GRCh38, 1-based): chr7:93,132,958, T>C on the plus strand (A>G on the coding strand, the complement: SAMD9L is on the minus strand). VCF-style: chr7-93132958-T-C. GRCh37 (hg19) VCF-style: chr7-92762271-T-C.
Other names: c.3014A>G, p.His1005Arg (NM_001303496.3, NM_001303497.3, NM_001303498.3 and 5 more transcripts); short protein forms H1005R.
Identifiers: ClinVar variation 3950031 (VCV003950031.2).